The following is an entry in ClinVar:

ClinVar aggregate classification (germline): Uncertain significance (1 of 4 stars; one submission).

Conditions:
Cardiovascular phenotype. Identifiers: MedGen CN230736.
Hereditary cancer-predisposing syndrome. Also called: Neoplastic Syndromes, Hereditary; Tumor predisposition; Hereditary neoplastic syndrome; Hereditary Cancer Syndrome. Identifiers: Orphanet 140162, MedGen C0027672, MeSH D009386, MONDO:0015356.

gnomAD v4.1: 2 of 1,614,128 alleles (0.00012%); highest among the groups gnomAD compares: East Asian, 0.0045%; no homozygotes.

Submission:

Ambry Genetics
Classification: Uncertain significance for Cardiovascular phenotype; Hereditary cancer-predisposing syndrome. Last evaluated: 2026-07-13. Review status: criteria provided, single submitter. Criteria: Ambry Variant Classification Scheme 2023. Collection method: clinical testing. Allele origin: germline.
Comment: The p.C1144Y variant (also known as c.3431G>A), located in coding exon 26 of the NF1 gene, results from a G to A substitution at nucleotide position 3431. The cysteine at codon 1144 is replaced by tyrosine, an amino acid with highly dissimilar properties. This amino acid position is highly conserved in available vertebrate species. In addition, the in silico prediction for this alteration is inconclusive. Based on the available evidence, the clinical significance of this variant remains unclear.

NM_001042492.3(NF1):c.3431G>A (p.Cys1144Tyr)

Gene: NF1 (neurofibromin 1; plus strand). Cytogenetic location: 17q11.2.
Variant type: single nucleotide variant.
Coding change: c.3431G>A on transcript NM_001042492.3 (MANE Select); coding-DNA position 3431, G replaced by A.
Protein change: p.Cys1144Tyr; replaces cysteine 1144 with tyrosine.
Molecular consequence: missense variant.
Genome position (GRCh38, 1-based): chr17:31,232,816, G>A. VCF-style: chr17-31232816-G-A. GRCh37 (hg19) VCF-style: chr17-29559834-G-A.
Other names: c.3431G>A, p.Cys1144Tyr (NM_000267.4); short protein forms C1144Y.
Identifiers: ClinVar variation 5025513 (VCV005025513.1).